The following is an entry in ClinVar:

ClinVar aggregate classification (germline): Uncertain significance (1 of 4 stars; one submission).

gnomAD v4.1: 1 of 1,614,204 alleles (0.000062%); highest among the groups gnomAD compares: Non-Finnish European, 0.000085%; no homozygotes.

Submission:

GeneDx
Classification: Uncertain significance. Last evaluated: 2024-11-25. Review status: criteria provided, single submitter. Criteria: GeneDx Variant Classification Process June 2021. Collection method: clinical testing. Allele origin: germline. Affected: yes.
Comment: Has not been previously published as pathogenic or benign to our knowledge; Not observed at significant frequency in large population cohorts (gnomAD); In silico analysis indicates that this missense variant does not alter protein structure/function; In vivo analysis of V306A suggests that this variant does not significantly alter Dyrk1A activity (PMID: 21185805); This variant is associated with the following publications: (PMID: 27535533, 38171148, 21185805)

NM_001347721.2(DYRK1A):c.1367A>G (p.Lys456Arg)

Gene: DYRK1A (dual specificity tyrosine phosphorylation regulated kinase 1A; plus strand). Cytogenetic location: 21q22.13.
Variant type: single nucleotide variant.
Coding change: c.1367A>G on transcript NM_001347721.2 (MANE Select); coding-DNA position 1367, A replaced by G.
Protein change: p.Lys456Arg; replaces lysine 456 with arginine.
Molecular consequence: missense variant.
Genome position (GRCh38, 1-based): chr21:37,505,437, A>G. VCF-style: chr21-37505437-A-G. GRCh37 (hg19) VCF-style: chr21-38877740-A-G.
Other names: c.1367A>G, p.Lys456Arg (NM_001347722.2, NM_130436.2); c.1280A>G, p.Lys427Arg (NM_001347723.2); c.1394A>G, p.Lys465Arg (NM_001396.5, NM_101395.2, NM_130438.2); short protein forms K427R, K456R, K465R.
Identifiers: ClinVar variation 3900240 (VCV003900240.1).